The following is an entry in ClinVar:

NM_005121.3(MED13):c.3902C>G (p.Pro1301Arg)

Gene: MED13 (mediator complex subunit 13; minus strand). Cytogenetic location: 17q23.2.
Variant type: single nucleotide variant.
Coding change: c.3902C>G on transcript NM_005121.3 (MANE Select); coding-DNA position 3902, C replaced by G.
Protein change: p.Pro1301Arg; replaces proline 1301 with arginine.
Molecular consequence: missense variant.
Genome position (GRCh38, 1-based): chr17:61,972,792, G>C on the plus strand (C>G on the coding strand, the complement: MED13 is on the minus strand). VCF-style: chr17-61972792-G-C. GRCh37 (hg19) VCF-style: chr17-60050153-G-C.
Other names: c.3902C>G (NM_005121.2); short protein forms P1301R.
Identifiers: ClinVar variation 1183961 (VCV001183961.5), dbSNP rs2143410400, ClinGen allele CA400500185.

ClinVar aggregate classification (germline): Conflicting classifications of pathogenicity. Review status: criteria provided, conflicting classifications (1 of 4 stars). 2 submissions from 2 submitters: Likely pathogenic (1); Uncertain significance (1). Last evaluated 2023-07-24.

Conditions:
Intellectual developmental disorder 61. Also called: INTELLECTUAL DEVELOPMENTAL DISORDER, AUTOSOMAL DOMINANT 61; MENTAL RETARDATION, AUTOSOMAL DOMINANT 61. Identifiers: MedGen C5231400, MONDO:0032485, OMIM 618009.

Submissions (2):

GeneDx
Classification: Uncertain significance. Last evaluated: 2023-07-24. Review status: criteria provided, single submitter. Criteria: GeneDx Variant Classification Process June 2021. Collection method: clinical testing. Allele origin: germline. Affected: yes.
Comment: Not observed at significant frequency in large population cohorts (gnomAD); In silico analysis supports that this missense variant does not alter protein structure/function; Has not been previously published as pathogenic or benign to our knowledge

Institute for Genomic Statistics and Bioinformatics, University Hospital Bonn
Classification: Likely pathogenic for Intellectual developmental disorder 61. Last evaluated: 2021-07-06. Review status: criteria provided, single submitter. Criteria: ACMG Guidelines, 2015. Collection method: not provided. Allele origin: germline. Inheritance: Autosomal dominant germline de novo mutation. Affected: yes. Observed: 1 heterozygote.